The following is an entry in ClinVar:

ClinVar aggregate classification (germline): Pathogenic (1 of 4 stars; one submission).

Conditions:
Multiple congenital exostosis (EXT). Also called: Multiple osteochondromas; MULTIPLE CARTILAGINOUS EXOSTOSES; Hereditary multiple osteochondromas; Hereditary multiple exostoses; Hereditary multiple exostosis; Multiple exostoses. Identifiers: Orphanet 321, MedGen C0015306, MONDO:0005508, HP:0002762.

Submission:

Labcorp Genetics (formerly Invitae), Labcorp
Classification: Pathogenic for Multiple congenital exostosis. Last evaluated: 2023-10-15. Review status: criteria provided, single submitter. Criteria: Invitae Variant Classification Sherloc (09022015). Collection method: clinical testing. Allele origin: germline.
Comment: This sequence change creates a premature translational stop signal (p.Ser417Leufs*8) in the EXT1 gene. It is expected to result in an absent or disrupted protein product. Loss-of-function variants in EXT1 are known to be pathogenic (PMID: 10679937, 11391482, 19810120). This variant is not present in population databases (gnomAD no frequency). This variant has not been reported in the literature in individuals affected with EXT1-related conditions. For these reasons, this variant has been classified as Pathogenic.

Literature cited by the submitters: PubMed 10679937; PubMed 11391482; PubMed 19810120.

NM_000127.3(EXT1):c.1249del (p.Ser417fs)

Gene: EXT1 (exostosin glycosyltransferase 1; minus strand). Cytogenetic location: 8q24.11.
Variant type: Deletion.
Coding change: c.1249del on transcript NM_000127.3 (MANE Select); coding-DNA position 1249, one base deleted (T; older notation c.1249delT).
Protein change: p.Ser417fs; shifts the reading frame from serine 417.
Molecular consequence: frameshift variant.
Genome position (GRCh38, 1-based): chr8:117,830,265, A deleted on the plus strand (T on the coding strand, the reverse complement: EXT1 is on the minus strand); the first of 5 consecutive A bases (chr8:117,830,265-117,830,269); deleting any one gives the same sequence. VCF-style (leftmost placement, unchanged base first): chr8-117830264-GA-G. GRCh37 (hg19) VCF-style: chr8-118842503-GA-G.
Other names: short protein forms S417fs.
Identifiers: ClinVar variation 2768765 (VCV002768765.3), dbSNP rs2129772077, ClinGen allele CA2697550109.